The following is an entry in ClinVar:

NM_201599.3(ZMYM3):c.688_699dup (p.Lys233_Pro234insAlaSerGluLys)

Gene: ZMYM3 (zinc finger MYM-type containing 3; minus strand). Cytogenetic location: Xq13.1.
Variant type: Duplication.
Coding change: c.688_699dup on transcript NM_201599.3 (MANE Select); coding-DNA positions 688 to 699, 12 bases duplicated (GCGAGTGAGAAG).
Protein change: p.Lys233_Pro234insAlaSerGluLys.
Molecular consequence: inframe insertion.
Genome position (GRCh38, 1-based): chrX:71,251,570-71,251,581, CTTCTCACTCGC duplicated on the plus strand (GCGAGTGAGAAG on the coding strand, the reverse complement: ZMYM3 is on the minus strand); duplicating any 12 consecutive bases within chrX:71,251,570-71,251,585 gives the same sequence; the c. name uses the placement nearest the transcript's 3' end. VCF-style (leftmost placement, unchanged base first): chrX-71251569-G-GCTTCTCACTCGC. GRCh37 (hg19) VCF-style: chrX-70471419-G-GCTTCTCACTCGC.
Other names: c.688_699dup, p.Lys233_Pro234insAlaSerGluLys (NM_001171162.1, NM_001171163.1, NM_005096.3).
Identifiers: ClinVar variation 3068685 (VCV003068685.1), dbSNP rs2519844077, ClinGen allele CA2580610853.
Genomic context (GRCh38, chrX:71,251,569, plus strand): 5'-TCCCAGAGCTAAGGGGGAACCAGACTCCTTCCAATCCCCTCCCCCTCACCCGTTCAGGCG[G>GCTTCTCACTCGC]CTTCTCACTCGCCTTCGCAGTCAGGCCATCTCCTGCAAAGGAAGCAGAAGGCAGCCTAAA-3'

ClinVar aggregate classification (germline): Uncertain significance (1 of 4 stars; one submission).

Conditions:
Neurodevelopmental disorder. Identifiers: MedGen C1535926, MeSH D065886, MONDO:0700092.

Submission:

Molecular Genetics, Royal Melbourne Hospital
Classification: Uncertain significance for Neurodevelopmental disorder. Last evaluated: 2023-06-06. Review status: criteria provided, single submitter. Criteria: ACMG Guidelines, 2015. Collection method: clinical testing. Allele origin: germline. Inheritance: X-linked dominant inheritance.
Comment: This sequence change is predicted to cause a change in the length of the protein due to an in-frame insertion of four amino acids in a non-repeat region of the ZMYM3 protein, p.(Ala230_Lys233dup). The region duplicated is highly conserved (100 vertebrates, UCSC), and is located in a disordered region. This variant is absent from the population database gnomAD v2.1 and v3.1. To our knowledge, this variant is novel and has not been previously reported in the relevant scientific literature or databases. Based on the classification scheme RMH Modified ACMG/AMP Guidelines v1.6.1, this variant is classified as a VARIANT OF UNCERTAIN SIGNIFICANCE. Following criteria are met: PM4, PM2_Supporting.